The following is an entry in ClinVar:

NM_025114.4(CEP290):c.3545C>A (p.Ser1182Tyr)

Gene: CEP290 (centrosomal protein 290; minus strand). Cytogenetic location: 12q21.32.
Variant type: single nucleotide variant.
Coding change: c.3545C>A on transcript NM_025114.4 (MANE Select); coding-DNA position 3545, C replaced by A.
Protein change: p.Ser1182Tyr; replaces serine 1182 with tyrosine.
Molecular consequence: missense variant.
Genome position (GRCh38, 1-based): chr12:88,090,756, G>T on the plus strand (C>A on the coding strand, the complement: CEP290 is on the minus strand). VCF-style: chr12-88090756-G-T. GRCh37 (hg19) VCF-style: chr12-88484533-G-T.
Other names: c.3545C>A (NM_025114.3); short protein forms S1182Y.
Identifiers: ClinVar variation 1907603 (VCV001907603.6), dbSNP rs2500157929, ClinGen allele CA386001737.

ClinVar aggregate classification (germline): Uncertain significance. Review status: criteria provided, single submitter (1 of 4 stars). 2 submissions from 2 submitters: Uncertain significance (1). 1 of the submissions does not count toward it. Last evaluated 2024-10-26.

Conditions:
Leber congenital amaurosis (LCA). Also called: Leber's amaurosis. Identifiers: Orphanet 65, MedGen C0339527, MeSH D057130, MONDO:0018998.
Joubert syndrome. Also called: CEREBELLOPARENCHYMAL DISORDER IV; JOUBERT-BOLTSHAUSER SYNDROME; Familial aplasia of the vermis. Identifiers: Orphanet 475, MedGen C5979921, MONDO:0018772.
Meckel-Gruber syndrome. Also called: DYSENCEPHALIA SPLANCHNOCYSTICA; GRUBER SYNDROME; Dysencephalia splachnocystica. Identifiers: Orphanet 564, MedGen C0265215, MONDO:0018921.
Nephronophthisis. Also called: Juvenile Nephronophthisis. Identifiers: Orphanet 655, MedGen C0687120, MONDO:0019005, HP:0000090.

Allele frequency attached by ClinVar (database versions not stated): gnomAD exomes below 0.00001.
gnomAD v4.1: 1 of 1,560,762 alleles (0.000064%); highest among the groups gnomAD compares: Non-Finnish European, 0.000087%; no homozygotes.

Submissions (2):

Labcorp Genetics (formerly Invitae), Labcorp
Classification: Uncertain significance for Joubert syndrome; Meckel-Gruber syndrome; Nephronophthisis. Last evaluated: 2024-10-26. Review status: criteria provided, single submitter. Criteria: Invitae Variant Classification Sherloc (09022015). Collection method: clinical testing. Allele origin: germline.
Comment: This sequence change replaces serine, which is neutral and polar, with tyrosine, which is neutral and polar, at codon 1182 of the CEP290 protein (p.Ser1182Tyr). This variant is not present in population databases (gnomAD no frequency). This variant has not been reported in the literature in individuals affected with CEP290-related conditions. ClinVar contains an entry for this variant (Variation ID: 1907603). Invitae Evidence Modeling of protein sequence and biophysical properties (such as structural, functional, and spatial information, amino acid conservation, physicochemical variation, residue mobility, and thermodynamic stability) indicates that this missense variant is expected to disrupt CEP290 protein function with a positive predictive value of 80%. In summary, the available evidence is currently insufficient to determine the role of this variant in disease. Therefore, it has been classified as a Variant of Uncertain Significance.

Natera, Inc.
Classification: Uncertain significance for Leber congenital amaurosis. Last evaluated: 2025-04-24. Review status: no assertion criteria provided. Collection method: clinical testing. Allele origin: germline. Not counted in ClinVar's aggregate classification.